The following is an entry in ClinVar:

NM_001127898.4(CLCN5):c.2194T>G (p.Phe732Val)

Genes: CLCN5 (Cl-/H+ antiporter 5; plus strand), LOC126863258 (BRD4-independent group 4 enhancer GRCh37_chrX:49854497-49855696; plus strand). Cytogenetic location: Xp11.23.
Variant type: single nucleotide variant.
Coding change: c.2194T>G on transcript NM_001127898.4 (MANE Select); coding-DNA position 2194, T replaced by G.
Protein change: p.Phe732Val; replaces phenylalanine 732 with valine.
Molecular consequence: missense variant.
Genome position (GRCh38, 1-based): chrX:50,090,720, T>G. VCF-style: chrX-50090720-T-G. GRCh37 (hg19) VCF-style: chrX-49855377-T-G.
Other names: c.1984T>G, p.Phe662Val (NM_000084.5); c.2194T>G, p.Phe732Val (NM_001127899.4); c.2044T>G, p.Phe682Val (NM_001282163.2); short protein forms F662V, F682V, F732V.
Identifiers: ClinVar variation 3686027 (VCV003686027.2).
Genomic context (GRCh38, chrX:50,090,720, plus strand): 5'-GTTTGAATAGAAAATGCTCGAAAGAAACAGGATGGGGTTGTTAGCACTTCCATCATTTAT[T>G]TCACGGAGCATTCTCCTCCATTGCCACCATACACTCCACCCACTCTAAAGCTTCGGAACA-3'
Protein context (NP_001121370.1, residues 722-742): DGVVSTSIIY[Phe732Val]TEHSPPLPPY

ClinVar aggregate classification (germline): Uncertain significance (1 of 4 stars; one submission).

Submission:

Labcorp Genetics (formerly Invitae), Labcorp
Classification: Uncertain significance. Last evaluated: 2025-04-11. Review status: criteria provided, single submitter. Criteria: Invitae Variant Classification Sherloc (09022015). Collection method: clinical testing. Allele origin: germline.
Comment: This sequence change replaces phenylalanine, which is neutral and non-polar, with valine, which is neutral and non-polar, at codon 662 of the CLCN5 protein (p.Phe662Val). This variant is not present in population databases (gnomAD no frequency). This variant has not been reported in the literature in individuals affected with CLCN5-related conditions. ClinVar contains an entry for this variant (Variation ID: 3686027). Invitae Evidence Modeling of protein sequence and biophysical properties (such as structural, functional, and spatial information, amino acid conservation, physicochemical variation, residue mobility, and thermodynamic stability) indicates that this missense variant is not expected to disrupt CLCN5 protein function with a negative predictive value of 80%. In summary, the available evidence is currently insufficient to determine the role of this variant in disease. Therefore, it has been classified as a Variant of Uncertain Significance.